The following is an entry in ClinVar:

NM_001846.4(COL4A2):c.940G>C (p.Gly314Arg)

Gene: COL4A2 (collagen type IV alpha 2 chain; plus strand). Cytogenetic location: 13q34.
Variant type: single nucleotide variant.
Coding change: c.940G>C on transcript NM_001846.4 (MANE Select); coding-DNA position 940, G replaced by C.
Protein change: p.Gly314Arg; replaces glycine 314 with arginine.
Molecular consequence: missense variant.
Genome position (GRCh38, 1-based): chr13:110,439,816, G>C. VCF-style: chr13-110439816-G-C. GRCh37 (hg19) VCF-style: chr13-111092163-G-C.
Other names: short protein forms G314R.
Identifiers: ClinVar variation 2401460 (VCV002401460.5), dbSNP rs757680081, ClinGen allele CA7049229.

ClinVar aggregate classification (germline): Conflicting classifications of pathogenicity. Review status: criteria provided, conflicting classifications (1 of 4 stars). 2 submissions from 2 submitters: Uncertain significance (1); Likely benign (1). Last evaluated 2023-06-15.

Conditions:
Inborn genetic diseases. Identifiers: MedGen C0950123, MeSH D030342.

Allele frequency attached by ClinVar (database versions not stated): gnomAD 0.00001; gnomAD exomes 0.00001; TOPMed 0.00001; ExAC 0.00004.
gnomAD v4.1: 15 of 1,613,808 alleles (0.00093%); highest among the groups gnomAD compares: Middle Eastern, 0.016%; no homozygotes.

Submissions (2):

Labcorp Genetics (formerly Invitae), Labcorp
Classification: Uncertain significance. Last evaluated: 2023-06-15. Review status: criteria provided, single submitter. Criteria: Invitae Variant Classification Sherloc (09022015). Collection method: clinical testing. Allele origin: germline.
Comment: This variant is present in population databases (rs757680081, gnomAD 0.006%). This sequence change replaces glycine, which is neutral and non-polar, with arginine, which is basic and polar, at codon 314 of the COL4A2 protein (p.Gly314Arg). In summary, the available evidence is currently insufficient to determine the role of this variant in disease. Therefore, it has been classified as a Variant of Uncertain Significance. Advanced modeling of protein sequence and biophysical properties (such as structural, functional, and spatial information, amino acid conservation, physicochemical variation, residue mobility, and thermodynamic stability) has been performed at Invitae for this missense variant, however the output from this modeling did not meet the statistical confidence thresholds required to predict the impact of this variant on COL4A2 protein function. ClinVar contains an entry for this variant (Variation ID: 2401460). This variant has not been reported in the literature in individuals affected with COL4A2-related conditions.

Ambry Genetics
Classification: Likely benign for Inborn genetic diseases. Last evaluated: 2021-05-17. Review status: criteria provided, single submitter. Criteria: Ambry Variant Classification Scheme 2023. Collection method: clinical testing. Allele origin: germline.